The following is an entry in ClinVar:

NM_006231.4(POLE):c.6126A>G (p.Gly2042=)

Gene: POLE (DNA polymerase epsilon, catalytic subunit; minus strand). Cytogenetic location: 12q24.33.
Variant type: single nucleotide variant.
Coding change: c.6126A>G on transcript NM_006231.4 (MANE Select); coding-DNA position 6126, A replaced by G.
Protein change: p.Gly2042=; no amino-acid change (glycine 2042 retained).
Molecular consequence: synonymous variant.
Genome position (GRCh38, 1-based): chr12:132,632,674, T>C on the plus strand (A>G on the coding strand, the complement: POLE is on the minus strand). VCF-style: chr12-132632674-T-C. GRCh37 (hg19) VCF-style: chr12-133209260-T-C.
Other names: c.6126A>G (NM_006231.2).
Identifiers: ClinVar variation 2128735 (VCV002128735.6), dbSNP rs557016293, ClinGen allele CA6892272.

ClinVar aggregate classification (germline): Likely benign. Review status: criteria provided, multiple submitters, no conflicts (2 of 4 stars). 3 submissions from 3 submitters: Likely benign (2). 1 of the submissions does not count toward it. Last evaluated 2025-08-17.

Conditions:
POLE-related disorder. Also called: POLE-related disorders; POLE-related condition.
Hereditary cancer-predisposing syndrome. Also called: Hereditary neoplastic syndrome; Tumor predisposition; Hereditary Cancer Syndrome; Neoplastic Syndromes, Hereditary. Identifiers: Orphanet 140162, MedGen C0027672, MeSH D009386, MONDO:0015356.

Allele frequency attached by ClinVar (database versions not stated): ExAC 0.00001; gnomAD 0.00001; 1000 Genomes Project 30x 0.00016; 1000 Genomes Project 0.00020.
gnomAD v4.1: 1 of 1,613,970 alleles (0.000062%); highest among the groups gnomAD compares: South Asian, 0.0011%; no homozygotes.

Submissions (3):

Labcorp Genetics (formerly Invitae), Labcorp
Classification: Likely benign. Last evaluated: 2025-08-17. Review status: criteria provided, single submitter. Criteria: Invitae Variant Classification Sherloc (09022015). Collection method: clinical testing. Allele origin: germline.

Ambry Genetics
Classification: Likely benign for Hereditary cancer-predisposing syndrome. Last evaluated: 2025-04-07. Review status: criteria provided, single submitter. Criteria: Ambry Variant Classification Scheme 2023. Collection method: clinical testing. Allele origin: germline.

PreventionGenetics, part of Exact Sciences
Classification: Likely benign for POLE-related condition. Last evaluated: 2024-03-27. Review status: no assertion criteria provided. Collection method: clinical testing. Allele origin: germline. Not counted in ClinVar's aggregate classification.
Comment: This variant is classified as likely benign based on ACMG/AMP sequence variant interpretation guidelines (Richards et al. 2015 PMID: 25741868, with internal and published modifications).